The following is an entry in ClinVar:

ClinVar aggregate classification (germline): Uncertain significance (1 of 4 stars; one submission).

Conditions:
Idiopathic generalized epilepsy. Also called: Generalised epilepsy; EIG. Identifiers: MedGen C0270850, MONDO:0005579, OMIM 600669.

Allele frequency attached by ClinVar (database versions not stated): gnomAD exomes below 0.00001; ExAC 0.00002.
gnomAD v4.1: 6 of 1,611,922 alleles (0.00037%); highest among the groups gnomAD compares: Admixed American, 0.0017%; no homozygotes.

Submission:

Labcorp Genetics (formerly Invitae), Labcorp
Classification: Uncertain significance for Idiopathic generalized epilepsy. Last evaluated: 2023-07-14. Review status: criteria provided, single submitter. Criteria: Invitae Variant Classification Sherloc (09022015). Collection method: clinical testing. Allele origin: germline.
Comment: This variant has not been reported in the literature in individuals affected with GABRD-related conditions. Algorithms developed to predict the effect of sequence changes on RNA splicing suggest that this variant may disrupt the consensus splice site. In summary, the available evidence is currently insufficient to determine the role of this variant in disease. Therefore, it has been classified as a Variant of Uncertain Significance. This variant is present in population databases (rs780939788, gnomAD 0.003%). This sequence change falls in intron 8 of the GABRD gene. It does not directly change the encoded amino acid sequence of the GABRD protein.

NM_000815.5(GABRD):c.1060-13G>A

Gene: GABRD (gamma-aminobutyric acid type A receptor subunit delta; plus strand). Cytogenetic location: 1p36.33.
Variant type: single nucleotide variant.
Coding change: c.1060-13G>A on transcript NM_000815.5 (MANE Select); 13 bases into the intron before coding-DNA position 1060, G replaced by A.
Molecular consequence: intron variant.
Genome position (GRCh38, 1-based): chr1:2,029,970, G>A. VCF-style: chr1-2029970-G-A. GRCh37 (hg19) VCF-style: chr1-1961409-G-A.
Identifiers: ClinVar variation 3015103 (VCV003015103.3), dbSNP rs780939788, ClinGen allele CA534897.